The following is an entry in ClinVar:

NM_001080488.2(ONECUT3):c.132G>C (p.Pro44=)

Gene: ONECUT3 (one cut homeobox 3; plus strand). Cytogenetic location: 19p13.3.
Variant type: single nucleotide variant.
Coding change: c.132G>C on transcript NM_001080488.2 (MANE Select); coding-DNA position 132, G replaced by C.
Protein change: p.Pro44=; no amino-acid change (proline 44 retained).
Molecular consequence: synonymous variant.
Genome position (GRCh38, 1-based): chr19:1,753,794, G>C. VCF-style: chr19-1753794-G-C. GRCh37 (hg19) VCF-style: chr19-1753793-G-C.
Identifiers: ClinVar variation 4873556 (VCV004873556.2).

ClinVar aggregate classification (germline): Likely benign (1 of 4 stars; one submission).

Submission:

CeGaT Center for Human Genetics Tuebingen
Classification: Likely benign. Last evaluated: 2026-05-01. Review status: criteria provided, single submitter. Criteria: CeGaT Center For Human Genetics Tuebingen Variant Classification Criteria Version 2. Collection method: clinical testing. Allele origin: germline. Affected: yes. Observed: 1 variant allele.
Comment: ONECUT3: PM2:Supporting, BP4, BP7